The following is an entry in ClinVar:

ClinVar aggregate classification (germline): Conflicting classifications of pathogenicity. Review status: criteria provided, conflicting classifications (1 of 4 stars). 3 submissions from 3 submitters: Uncertain significance (2); Likely benign (1). Last evaluated 2025-03-01.

Conditions:
Hereditary cancer-predisposing syndrome. Also called: Hereditary neoplastic syndrome; Neoplastic Syndromes, Hereditary; Tumor predisposition; Hereditary Cancer Syndrome. Identifiers: Orphanet 140162, MedGen C0027672, MeSH D009386, MONDO:0015356.
Familial adenomatous polyposis 1 (FAP1). Also called: FAMILIAL ADENOMATOUS POLYPOSIS 1, ATTENUATED; POLYPOSIS, ADENOMATOUS INTESTINAL. Identifiers: MedGen C2713442, MONDO:0021056, OMIM 175100. Disease mechanism: loss of function.

Allele frequency attached by ClinVar (database versions not stated): gnomAD 0.00001; gnomAD exomes 0.00001; 1000 Genomes Project 0.00020; 1000 Genomes Project 30x 0.00031.
gnomAD v4.1: 1 of 1,612,988 alleles (0.000062%); highest among the groups gnomAD compares: East Asian, 0.0022%; no homozygotes.

Submissions (3):

GeneDx
Classification: Uncertain significance. Last evaluated: 2025-03-01. Review status: criteria provided, single submitter. Criteria: GeneDx Variant Classification Process June 2021. Collection method: clinical testing. Allele origin: germline. Affected: yes.
Comment: Not observed at significant frequency in large population cohorts (gnomAD); In silico analysis indicates that this missense variant does not alter protein structure/function; Has not been previously published as pathogenic or benign to our knowledge; This variant is associated with the following publications: (PMID: 18199528)

Labcorp Genetics (formerly Invitae), Labcorp
Classification: Uncertain significance for Familial adenomatous polyposis 1. Last evaluated: 2025-01-20. Review status: criteria provided, single submitter. Criteria: Invitae Variant Classification Sherloc (09022015). Collection method: clinical testing. Allele origin: germline.
Comment: This sequence change replaces glutamine, which is neutral and polar, with glutamic acid, which is acidic and polar, at codon 2605 of the APC protein (p.Gln2605Glu). This variant is present in population databases (rs201625142, gnomAD 0.006%). This variant has not been reported in the literature in individuals affected with APC-related conditions. ClinVar contains an entry for this variant (Variation ID: 947448). Invitae Evidence Modeling of protein sequence and biophysical properties (such as structural, functional, and spatial information, amino acid conservation, physicochemical variation, residue mobility, and thermodynamic stability) indicates that this missense variant is not expected to disrupt APC protein function with a negative predictive value of 95%. In summary, the available evidence is currently insufficient to determine the role of this variant in disease. Therefore, it has been classified as a Variant of Uncertain Significance.

Ambry Genetics
Classification: Likely benign for Hereditary cancer-predisposing syndrome. Last evaluated: 2023-01-31. Review status: criteria provided, single submitter. Criteria: Ambry Variant Classification Scheme 2023. Collection method: clinical testing. Allele origin: germline.

NM_000038.6(APC):c.7813C>G (p.Gln2605Glu)

Gene: APC (APC regulator of Wnt signaling pathway; plus strand). Cytogenetic location: 5q22.2.
Variant type: single nucleotide variant.
Coding change: c.7813C>G on transcript NM_000038.6 (MANE Select); coding-DNA position 7813, C replaced by G.
Protein change: p.Gln2605Glu; replaces glutamine 2605 with glutamic acid.
Molecular consequence: missense variant.
Genome position (GRCh38, 1-based): chr5:112,843,407, C>G. VCF-style: chr5-112843407-C-G. GRCh37 (hg19) VCF-style: chr5-112179104-C-G.
Other names: c.7813C>G, p.Gln2605Glu (NM_001127510.3, NM_001354895.2); c.7759C>G, p.Gln2587Glu (NM_001127511.3); c.7867C>G, p.Gln2623Glu (NM_001354896.2); c.7843C>G, p.Gln2615Glu (NM_001354897.2); c.7738C>G, p.Gln2580Glu (NM_001354898.2); c.7729C>G, p.Gln2577Glu (NM_001354899.2); c.7690C>G, p.Gln2564Glu (NM_001354900.2); c.7636C>G, p.Gln2546Glu (NM_001354901.2); and 5 more; short protein forms Q2479E, Q2514E, Q2546E, Q2564E, Q2322E, Q2504E, Q2577E, Q2615E.
Identifiers: ClinVar variation 947448 (VCV000947448.14), dbSNP rs201625142, ClinGen allele CA16038305.
Genomic context (GRCh38, chr5:112,843,407, plus strand): 5'-AAAAGTGAGGATGAAAAACATGTGAACTCTATTTCAGGAACCAAACAAAGTAAAGAAAAC[C>G]AAGTATCCGCAAAAGGAACATGGAGAAAAATAAAAGAAAATGAATTTTCTCCCACAAATA-3'
Protein context (NP_000029.2, residues 2595-2615): ISGTKQSKEN[Gln2605Glu]VSAKGTWRKI